The following is an entry in ClinVar:

NM_000132.4(F8):c.1866T>C (p.Leu622=)

Gene: F8 (coagulation factor VIII; minus strand). Cytogenetic location: Xq28.
Variant type: single nucleotide variant.
Coding change: c.1866T>C on transcript NM_000132.4 (MANE Select); coding-DNA position 1866, T replaced by C.
Protein change: p.Leu622=; no amino-acid change (leucine 622 retained).
Molecular consequence: synonymous variant.
Genome position (GRCh38, 1-based): chrX:154,953,929, A>G on the plus strand (T>C on the coding strand, the complement: F8 is on the minus strand). VCF-style: chrX-154953929-A-G. GRCh37 (hg19) VCF-style: chrX-154182204-A-G.
Identifiers: ClinVar variation 699102 (VCV000699102.16), dbSNP rs1800290, ClinGen allele CA10568390.

ClinVar aggregate classification (germline): Benign/Likely benign. Review status: criteria provided, multiple submitters, no conflicts (2 of 4 stars). 5 submissions from 5 submitters: Benign (1); Likely benign (3). 1 of the submissions does not count toward it. Last evaluated 2024-01-23.

Conditions:
Hereditary factor VIII deficiency disease (HEMA). Also called: HEMOPHILIA, CLASSIC; Hemophilia A; Hemophilia A, congenital; HEM A; Factor 8 deficiency, congenital; AUTOSOMAL HEMOPHILIA A. Identifiers: Orphanet 98878, MedGen C0019069, MONDO:0010602, OMIM 306700.
F8-related disorder. Also called: F8-related condition.

Allele frequency attached by ClinVar (database versions not stated): gnomAD 0.00021 and 0.00024; gnomAD exomes 0.00027 and 0.00032; TOPMed 0.00029; ExAC 0.00041; ESP Exome Variant Server 0.00047; 1000 Genomes Project 0.00053; 1000 Genomes Project 30x 0.00083.
gnomAD v4.1: 375 of 1,210,049 alleles (0.031%); highest among the groups gnomAD compares: Non-Finnish European, 0.039%; no homozygotes.

Submissions (5):

Women's Health and Genetics/Laboratory Corporation of America, LabCorp
Classification: Likely benign. Last evaluated: 2024-01-23. Review status: criteria provided, single submitter. Criteria: LabCorp Variant Classification Summary - May 2015. Collection method: clinical testing. Allele origin: germline.

Labcorp Genetics (formerly Invitae), Labcorp
Classification: Likely benign. Last evaluated: 2019-12-31. Review status: criteria provided, single submitter. Criteria: Invitae Variant Classification Sherloc (09022015). Collection method: clinical testing. Allele origin: germline.

ARUP Laboratories, Molecular Genetics and Genomics, ARUP Laboratories
Classification: Benign for Hereditary factor VIII deficiency disease. Last evaluated: 2018-09-21. Review status: criteria provided, single submitter. Criteria: ARUP Molecular Germline Variant Investigation Process. Collection method: clinical testing. Allele origin: germline.

Breakthrough Genomics
Classification: Likely benign. Review status: criteria provided, single submitter. Criteria: ACMG Guidelines, 2015. Collection method: not provided. Allele origin: germline. Inheritance: X-linked inheritance. Affected: yes.

PreventionGenetics, part of Exact Sciences
Classification: Likely benign for F8-related condition. Last evaluated: 2019-07-23. Review status: no assertion criteria provided. Collection method: clinical testing. Allele origin: germline. Not counted in ClinVar's aggregate classification.
Comment: This variant is classified as likely benign based on ACMG/AMP sequence variant interpretation guidelines (Richards et al. 2015 PMID: 25741868, with internal and published modifications).